The following is an entry in ClinVar:

NM_000038.6(APC):c.7952T>A (p.Val2651Asp)

Gene: APC (APC regulator of Wnt signaling pathway; plus strand). Cytogenetic location: 5q22.2.
Variant type: single nucleotide variant.
Coding change: c.7952T>A on transcript NM_000038.6 (MANE Select); coding-DNA position 7952, T replaced by A.
Protein change: p.Val2651Asp; replaces valine 2651 with aspartic acid.
Molecular consequence: missense variant. On other transcripts: non-coding transcript variant (2).
Genome position (GRCh38, 1-based): chr5:112,843,546, T>A. VCF-style: chr5-112843546-T-A. GRCh37 (hg19) VCF-style: chr5-112179243-T-A.
Other names: c.7952T>A, p.Val2651Asp (NM_001127510.3, NM_001354895.2, NM_001407450.1); c.7898T>A, p.Val2633Asp (NM_001127511.3); c.8006T>A, p.Val2669Asp (NM_001354896.2, NM_001407447.1, NM_001407448.1 and 1 more transcripts); c.7982T>A, p.Val2661Asp (NM_001354897.2); c.7877T>A, p.Val2626Asp (NM_001354898.2); c.7868T>A, p.Val2623Asp (NM_001354899.2); c.7829T>A, p.Val2610Asp (NM_001354900.2); c.7775T>A, p.Val2592Asp (NM_001354901.2, NM_001407453.1); and 11 more; short protein forms V2522D, V2623D, V2679D, V2550D, V2568D, V2610D, V2626D, V2644D.
Identifiers: ClinVar variation 2816057 (VCV002816057.3), dbSNP rs2149996861, ClinGen allele CA16038599.
Genomic context (GRCh38, chr5:112,843,546, plus strand): 5'-CCTCAGGTGCTACAAATGGTGCTGAATCAAAGACTCTAATTTATCAAATGGCACCTGCTG[T>A]TTCTAAAACAGAGGATGTTTGGGTGAGAATTGAGGACTGTCCCATTAACAATCCTAGATC-3'
Protein context (NP_000029.2, residues 2641-2661): KTLIYQMAPA[Val2651Asp]SKTEDVWVRI

ClinVar aggregate classification (germline): Uncertain significance (1 of 4 stars; one submission).

Conditions:
Familial adenomatous polyposis 1 (FAP1). Also called: FAMILIAL ADENOMATOUS POLYPOSIS 1, ATTENUATED; POLYPOSIS, ADENOMATOUS INTESTINAL. Identifiers: MedGen C2713442, MONDO:0021056, OMIM 175100. Disease mechanism: loss of function.

Submission:

Labcorp Genetics (formerly Invitae), Labcorp
Classification: Uncertain significance for Familial adenomatous polyposis 1. Last evaluated: 2022-11-23. Review status: criteria provided, single submitter. Criteria: Invitae Variant Classification Sherloc (09022015). Collection method: clinical testing. Allele origin: germline.
Comment: This sequence change replaces valine, which is neutral and non-polar, with aspartic acid, which is acidic and polar, at codon 2651 of the APC protein (p.Val2651Asp). This variant is not present in population databases (gnomAD no frequency). This variant has not been reported in the literature in individuals affected with APC-related conditions. Advanced modeling of protein sequence and biophysical properties (such as structural, functional, and spatial information, amino acid conservation, physicochemical variation, residue mobility, and thermodynamic stability) performed at Invitae indicates that this missense variant is not expected to disrupt APC protein function. In summary, the available evidence is currently insufficient to determine the role of this variant in disease. Therefore, it has been classified as a Variant of Uncertain Significance.